The following is an entry in ClinVar:

NM_000493.4(COL10A1):c.1892G>C (p.Gly631Ala)

Genes: NT5DC1 (5'-nucleotidase domain containing 1; plus strand), COL10A1 (collagen type X alpha 1 chain; minus strand). Cytogenetic location: 6q22.1.
Variant type: single nucleotide variant.
Coding change: c.1892G>C on transcript NM_000493.4 (MANE Select); coding-DNA position 1892, G replaced by C.
Protein change: p.Gly631Ala; replaces glycine 631 with alanine.
Molecular consequence: missense variant. On other transcripts: intron variant (1).
Genome position (GRCh38, 1-based): chr6:116,120,224, C>G on the plus strand (G>C on the coding strand, the complement: COL10A1 is on the minus strand). VCF-style: chr6-116120224-C-G. GRCh37 (hg19) VCF-style: chr6-116441387-C-G.
Other names: c.1892G>C, p.Gly631Ala (NM_001424106.1, NM_001424107.1); c.529+2279C>G (NM_152729.3); short protein forms G631A.
Identifiers: ClinVar variation 4881140 (VCV004881140.2).

ClinVar aggregate classification (germline): Uncertain significance (1 of 4 stars; one submission).

Submission:

Dasa
Classification: Uncertain significance. Last evaluated: 2025-06-09. Review status: criteria provided, single submitter. Criteria: DASA Assertion Criteria. Collection method: clinical testing. Allele origin: germline.
Comment: NM_000493.4(COL10A1):c.1892G>C (p.Gly631Ala) is a missense variant that results in the substitution of glycine with alanine. This variant is absent from population databases. Computational prediction algorithms are consistent with a deleterious effect. The currently available literature and clinical evidence are not sufficient to establish a definitive association between this variant and the reported condition. Therefore, this variant is classified as a variant of uncertain significance.